The following is an entry in ClinVar:

ClinVar aggregate classification (germline): Uncertain significance. Review status: criteria provided, single submitter (1 of 4 stars). 2 submissions from 2 submitters: Uncertain significance (1). 1 of the submissions does not count toward it. Last evaluated 2024-02-04.

Conditions:
Pseudohypoparathyroidism type 1B (PHP1B). Also called: PHP IB; Pseudohypoparathyroidism Type IB; Pseudohypoparathyroidism Ib (PHP-Ib). Identifiers: Orphanet 94089, MedGen C1864100, MONDO:0011301, OMIM 603233.
GNAS-related disorder. Identifiers: MedGen CN380105.

Allele frequency attached by ClinVar (database versions not stated): gnomAD 0.00002; gnomAD exomes 0.00005; TOPMed 0.00004.
gnomAD v4.1: 84 of 1,612,908 alleles (0.0052%); highest among the groups gnomAD compares: Non-Finnish European, 0.0065%; no homozygotes.

Submissions (2):

Clinical Genomics Laboratory, Washington University in St. Louis
Classification: Uncertain significance for Pseudohypoparathyroidism type 1B. Last evaluated: 2024-02-04. Review status: criteria provided, single submitter. Criteria: ACMG Guidelines, 2015. Collection method: clinical testing. Allele origin: germline.
Comment: The GNAS c.1699A>C (p.Lys567Gln) variant was identified at a near heterozygous allele fraction of 48%, a frequency which may be consistent with it being of germline origin. This variant, to our knowledge, has not been reported in the medical literature. This variant is observed in 84/1,612,908 alleles in the general population (gnomAD v4.0.0). Computational predictors suggest that this does not impact GNAS function. Due to limited information, and based on ACMG/AMP guidelines for variant interpretation (Richards S et al., PMID: 25741868), the clinical significance of the GNAS c.1699A>C (p.Lys567Gln) variant is uncertain at this time.

PreventionGenetics, part of Exact Sciences
Classification: Uncertain significance for GNAS-related condition. Last evaluated: 2024-01-03. Review status: no assertion criteria provided. Collection method: clinical testing. Allele origin: germline. Not counted in ClinVar's aggregate classification.
Comment: The GNAS c.1886A>C variant is predicted to result in the amino acid substitution p.Lys629Thr. This variant is also referred to as c.-36576A>C (pre-coding) with the more commonly reported isoform, NM_000516. To our knowledge, this variant has not been reported in the literature. This variant is reported in 0.0042% of alleles in individuals of African descent in gnomAD. At this time, the clinical significance of this variant is uncertain due to the absence of conclusive functional and genetic evidence.

NM_080425.4(GNAS):c.1886A>C (p.Lys629Thr)

Gene: GNAS (GNAS complex locus; plus strand). Cytogenetic location: 20q13.32.
Variant type: single nucleotide variant.
Coding change: c.1886A>C on transcript NM_080425.4 (MANE Plus Clinical); coding-DNA position 1886, A replaced by C.
Protein change: p.Lys629Thr; replaces lysine 629 with threonine.
Molecular consequence: missense variant. On other transcripts: intron variant (3).
Genome position (GRCh38, 1-based): chr20:58,855,151, A>C. VCF-style: chr20-58855151-A-C. GRCh37 (hg19) VCF-style: chr20-57430206-A-C.
Other names: c.1699A>C, p.Lys567Gln (NM_001077490.3, NM_001309883.1); c.1886A>C, p.Lys629Thr (NM_001410913.1); c.*42+14265A>C (NM_016592.5); c.43+14265A>C (NM_001410912.1); c.-39+13276A>C (NM_001309861.2); short protein forms K567Q, K629T.
Identifiers: ClinVar variation 3035415 (VCV003035415.3), dbSNP rs906678943, ClinGen allele CA316343130.
Genomic context (GRCh38, chr20:58,855,151, plus strand): 5'-GCAACTTTCTCGTGCAAGCCTTCGGGGGCTGCTTCGGTCGATCTGAGAGTCCCCAGCCCA[A>C]AGCCTCGCGCTCTCTCAAGGTCAAGAAGGTACCCCTGGCGGAGAAGCGCAGACAGATGCG-3'
Protein context (NP_536350.2, residues 619-639): CFGRSESPQP[Lys629Thr]ASRSLKVKKV